The following is an entry in ClinVar:

NM_007294.4(BRCA1):c.1522C>T (p.Pro508Ser)

Gene: BRCA1 (BRCA1 DNA repair associated; minus strand). Cytogenetic location: 17q21.31.
Variant type: single nucleotide variant.
Coding change: c.1522C>T on transcript NM_007294.4 (MANE Select); coding-DNA position 1522, C replaced by T.
Protein change: p.Pro508Ser; replaces proline 508 with serine.
Molecular consequence: missense variant. On other transcripts: intron variant (137).
Genome position (GRCh38, 1-based): chr17:43,094,009, G>A on the plus strand (C>T on the coding strand, the complement: BRCA1 is on the minus strand). VCF-style: chr17-43094009-G-A. GRCh37 (hg19) VCF-style: chr17-41246026-G-A.
Other names: c.1309C>T, p.Pro437Ser (NM_001407571.1, NM_001407853.1, NM_001407894.1 and 9 more transcripts); c.1522C>T, p.Pro508Ser (NM_001407581.1, NM_001407582.1, NM_001407583.1 and 30 more transcripts); c.1519C>T, p.Pro507Ser (NM_001407587.1, NM_001407590.1, NM_001407591.1 and 22 more transcripts); c.1513C>T, p.Pro505Ser (NM_001407646.1, NM_001407647.1); c.1399C>T, p.Pro467Ser (NM_001407648.1, NM_001407664.1, NM_001407665.1 and 19 more transcripts); c.1396C>T, p.Pro466Ser (NM_001407649.1, NM_001407670.1, NM_001407671.1 and 11 more transcripts); c.1444C>T, p.Pro482Ser (NM_001407653.1, NM_001407654.1, NM_001407655.1 and 4 more transcripts); c.1441C>T, p.Pro481Ser (NM_001407659.1, NM_001407660.1, NM_001407661.1 and 1 more transcripts); and 40 more; short protein forms P340S, P437S, P438S, P460S, P466S, P505S, P381S, P397S.
Identifiers: ClinVar variation 1774458 (VCV001774458.4), dbSNP rs1555591622, ClinGen allele CA10599001.

ClinVar aggregate classification (germline): Conflicting classifications of pathogenicity. Review status: criteria provided, conflicting classifications (1 of 4 stars). 2 submissions from 2 submitters: Uncertain significance (1); Likely benign (1). Last evaluated 2023-03-23.

Conditions:
Hereditary cancer-predisposing syndrome. Also called: Hereditary Cancer Syndrome; Hereditary neoplastic syndrome; Neoplastic Syndromes, Hereditary; Tumor predisposition. Identifiers: Orphanet 140162, MedGen C0027672, MeSH D009386, MONDO:0015356.

gnomAD v4.1: 1 of 1,613,864 alleles (0.000062%); highest among the groups gnomAD compares: South Asian, 0.0011%; no homozygotes.

Submissions (2):

University of Washington Department of Laboratory Medicine, University of Washington
Classification: Likely benign for Hereditary cancer-predisposing syndrome. Last evaluated: 2023-03-23. Review status: criteria provided, single submitter. Criteria: Dines et al. (Genet Med. 2020). Collection method: curation. Allele origin: germline.
Comment: Missense variant in a coldspot region where missense variants are very unlikely to be pathogenic (PMID:31911673).

BRCA1 coldspot (exon 11 using historical exon numbering). Reclassification based on statistical prior probability

Ambry Genetics
Classification: Uncertain significance for Hereditary cancer-predisposing syndrome. Last evaluated: 2022-09-14. Review status: criteria provided, single submitter. Criteria: Ambry Variant Classification Scheme 2023. Collection method: clinical testing. Allele origin: germline.
Comment: The p.P508S variant (also known as c.1522C>T), located in coding exon 9 of the BRCA1 gene, results from a C to T substitution at nucleotide position 1522. The proline at codon 508 is replaced by serine, an amino acid with similar properties. This amino acid position is poorly conserved in available vertebrate species. In addition, the in silico prediction for this alteration is inconclusive. Since supporting evidence is limited at this time, the clinical significance of this alteration remains unclear.